The following is an entry in ClinVar:

NM_005640.3(TAF4B):c.1023C>T (p.Ile341=)

Gene: TAF4B (TATA-box binding protein associated factor 4b; plus strand). Cytogenetic location: 18q11.2.
Variant type: single nucleotide variant.
Coding change: c.1023C>T on transcript NM_005640.3 (MANE Select); coding-DNA position 1023, C replaced by T.
Protein change: p.Ile341=; no amino-acid change (isoleucine 341 retained).
Molecular consequence: synonymous variant. On other transcripts: non-coding transcript variant (1).
Genome position (GRCh38, 1-based): chr18:26,285,932, C>T. VCF-style: chr18-26285932-C-T. GRCh37 (hg19) VCF-style: chr18-23865896-C-T.
Other names: c.1023C>T, p.Ile341= (NM_001293725.2).
Identifiers: ClinVar variation 3035652 (VCV003035652.2), dbSNP rs372886681, ClinGen allele CA8921747.

ClinVar aggregate classification (germline): Likely benign (0 of 4 stars; one submission).

Conditions:
TAF4B-related disorder. Also called: TAF4B-related condition.

Allele frequency attached by ClinVar (database versions not stated): gnomAD exomes 0.00001; ExAC 0.00005; ESP Exome Variant Server 0.00008; gnomAD 0.00010; TOPMed 0.00010; 1000 Genomes Project 30x 0.00031; 1000 Genomes Project 0.00040.
gnomAD v4.1: 30 of 1,614,012 alleles (0.0019%); highest among the groups gnomAD compares: African/African-American, 0.04%; no homozygotes.

Submission:

PreventionGenetics, part of Exact Sciences
Classification: Likely benign for TAF4B-related condition. Last evaluated: 2019-07-31. Review status: no assertion criteria provided. Collection method: clinical testing. Allele origin: germline.
Comment: This variant is classified as likely benign based on ACMG/AMP sequence variant interpretation guidelines (Richards et al. 2015 PMID: 25741868, with internal and published modifications).